The following is an entry in ClinVar:

ClinVar aggregate classification (germline): Uncertain significance (1 of 4 stars; one submission).

Conditions:
Arrhythmogenic cardiomyopathy with wooly hair and keratoderma. Also called: Arrhythmogenic cardiomyopathy with woolly hair and keratoderma; PALMOPLANTAR KERATODERMA WITH LEFT VENTRICULAR CARDIOMYOPATHY AND WOOLLY HAIR; Carvajal syndrome; Dilated cardiomyopathy with woolly hair and keratoderma. Identifiers: Orphanet 65282, MedGen C1854063, MONDO:0011581, OMIM 605676.
Arrhythmogenic right ventricular dysplasia 8 (ARVD8). Also called: Arrhythmogenic Right Ventricular Dysplasia/Cardiomyopathy 8; ARRHYTHMOGENIC RIGHT VENTRICULAR DYSPLASIA, FAMILIAL, 8; ARRHYTHMOGENIC RIGHT VENTRICULAR CARDIOMYOPATHY 8. Identifiers: MedGen C1843896, MONDO:0011831, OMIM 607450.

Allele frequency attached by ClinVar (database versions not stated): gnomAD 0.00001.
gnomAD v4.1: 2 of 1,614,014 alleles (0.00012%); highest among the groups gnomAD compares: Admixed American, 0.0017%; no homozygotes.

Submission:

Labcorp Genetics (formerly Invitae), Labcorp
Classification: Uncertain significance for Arrhythmogenic cardiomyopathy with wooly hair and keratoderma; Arrhythmogenic right ventricular dysplasia 8. Last evaluated: 2023-10-15. Review status: criteria provided, single submitter. Criteria: Invitae Variant Classification Sherloc (09022015). Collection method: clinical testing. Allele origin: germline.
Comment: This sequence change replaces methionine, which is neutral and non-polar, with threonine, which is neutral and polar, at codon 571 of the DSP protein (p.Met571Thr). This variant is not present in population databases (gnomAD no frequency). This variant has not been reported in the literature in individuals affected with DSP-related conditions. An algorithm developed to predict the effect of missense changes on protein structure and function (PolyPhen-2) suggests that this variant is likely to be disruptive. In summary, the available evidence is currently insufficient to determine the role of this variant in disease. Therefore, it has been classified as a Variant of Uncertain Significance.

NM_004415.4(DSP):c.1712T>C (p.Met571Thr)

Gene: DSP (desmoplakin; plus strand). Cytogenetic location: 6p24.3.
Variant type: single nucleotide variant.
Coding change: c.1712T>C on transcript NM_004415.4 (MANE Select); coding-DNA position 1712, T replaced by C.
Protein change: p.Met571Thr; replaces methionine 571 with threonine.
Molecular consequence: missense variant.
Genome position (GRCh38, 1-based): chr6:7,571,393, T>C. VCF-style: chr6-7571393-T-C. GRCh37 (hg19) VCF-style: chr6-7571626-T-C.
Other names: c.1712T>C, p.Met571Thr (NM_001008844.3, NM_001319034.2); short protein forms M571T.
Identifiers: ClinVar variation 2933747 (VCV002933747.3), dbSNP rs1759045865, ClinGen allele CA362678901.
Genomic context (GRCh38, chr6:7,571,393, plus strand): 5'-ATTGTGGGGCAGTCATAAATCCCAAATCACTTCTGCCTGTCTCCTTTCAGCTGAAAACAA[T>C]GCGGCAGGAAGATTACATGAAGACGATAGCCGACCTTGAGTTACATTACCAAGAGTTCAT-3'
Protein context (NP_004406.2, residues 561-581): RAMTIAKLKT[Met571Thr]RQEDYMKTIA